The following is an entry in ClinVar:

ClinVar aggregate classification (germline): Uncertain significance (1 of 4 stars; one submission).

Conditions:
Spermatogenic failure 18. Identifiers: MedGen C4539783, MONDO:0054615, OMIM 617576.
Ciliary dyskinesia, primary, 37 (CILD37). Also called: CILIARY DYSKINESIA, PRIMARY, 37, WITH OR WITHOUT SITUS INVERSUS. Identifiers: MedGen C4539798, MONDO:0033204, OMIM 617577.

Submission:

Labcorp Genetics (formerly Invitae), Labcorp
Classification: Uncertain significance for Ciliary dyskinesia, primary, 37; Spermatogenic failure 18. Last evaluated: 2022-04-28. Review status: criteria provided, single submitter. Criteria: Invitae Variant Classification Sherloc (09022015). Collection method: clinical testing. Allele origin: germline.
Comment: This variant has not been reported in the literature in individuals affected with DNAH1-related conditions. This variant is not present in population databases (gnomAD no frequency). This sequence change replaces threonine, which is neutral and polar, with isoleucine, which is neutral and non-polar, at codon 1528 of the DNAH1 protein (p.Thr1528Ile). Algorithms developed to predict the effect of missense changes on protein structure and function are either unavailable or do not agree on the potential impact of this missense change (SIFT: "Deleterious"; PolyPhen-2: "Benign"; Align-GVGD: "Class C0"). In summary, the available evidence is currently insufficient to determine the role of this variant in disease. Therefore, it has been classified as a Variant of Uncertain Significance.

NM_015512.5(DNAH1):c.4583C>T (p.Thr1528Ile)

Gene: DNAH1 (dynein axonemal heavy chain 1; plus strand). Cytogenetic location: 3p21.1.
Variant type: single nucleotide variant.
Coding change: c.4583C>T on transcript NM_015512.5 (MANE Select); coding-DNA position 4583, C replaced by T.
Protein change: p.Thr1528Ile; replaces threonine 1528 with isoleucine.
Molecular consequence: missense variant.
Genome position (GRCh38, 1-based): chr3:52,360,322, C>T. VCF-style: chr3-52360322-C-T. GRCh37 (hg19) VCF-style: chr3-52394338-C-T.
Other names: short protein forms T1528I.
Identifiers: ClinVar variation 1951851 (VCV001951851.5), dbSNP rs1004817581, ClinGen allele CA74750146.
Genomic context (GRCh38, chr3:52,360,322, plus strand): 5'-CAGTGGCCCATTGCCCCATGGCCAGGCCCTCATCTCCCTGCACCGCCAGGTACTACTGGA[C>T]AAATAATGACCTGTATATCCGTGCTGTGAATGCTGAGTTCATCTATGGCTATGAGTACCT-3'
Protein context (NP_056327.4, residues 1518-1538): QWISQLRYYW[Thr1528Ile]NNDLYIRAVN